The following is an entry in ClinVar:

NM_003742.4(ABCB11):c.1548T>G (p.Ile516Met)

Gene: ABCB11 (ATP binding cassette subfamily B member 11; minus strand). Cytogenetic location: 2q31.1.
Variant type: single nucleotide variant.
Coding change: c.1548T>G on transcript NM_003742.4 (MANE Select); coding-DNA position 1548, T replaced by G.
Protein change: p.Ile516Met; replaces isoleucine 516 with methionine.
Molecular consequence: missense variant.
Genome position (GRCh38, 1-based): chr2:168,971,937, A>C on the plus strand (T>G on the coding strand, the complement: ABCB11 is on the minus strand). VCF-style: chr2-168971937-A-C. GRCh37 (hg19) VCF-style: chr2-169828447-A-C.
Other names: short protein forms I516M.
Identifiers: ClinVar variation 4846056 (VCV004846056.1).
Genomic context (GRCh38, chr2:168,971,937, plus strand): 5'-ATTGGCCTCCTTGGCAGCTTGGACTATGTCTTCCATTGTTGCATCTTCTCTGCCATAGCG[A>C]ATATTTTCTGCAATGGTGGTAGAGAACAGAACTGGCTCTTGCTCCACTATCCCAATCTGA-3'
Protein context (NP_003733.2, residues 506-526): VLFSTTIAEN[Ile516Met]RYGREDATME

ClinVar aggregate classification (germline): Uncertain significance (1 of 4 stars; one submission).

Conditions:
Familial intrahepatic cholestasis. Identifiers: Orphanet 284385, MedGen CN296401, MONDO:0017290.

Submission:

Genomenon, Inc
Classification: Uncertain significance for Familial intrahepatic cholestasis. Last evaluated: 2026-04-14. Review status: criteria provided, single submitter. Criteria: Genomenon Sequence Variant Interpretation Standards - Updated. Collection method: curation. Allele origin: germline. Affected: yes.
Comment: ABCB11 p.Ile516Met (c.1548T>G) is a missense variant that changes the amino acid at residue 516 from Isoleucine to Methionine. This variant has been observed in at least one proband with an ABCB11-related disorder (PMID:36995996;25847299). It is absent or not present at a significant frequency in gnomAD. In silico models predict that this variant is possibly or probably damaging. In conclusion, we classify ABCB11 p.Ile516Met (c.1548T>G) as a variant of uncertain significance.

Literature cited by the submitters: PubMed 36995996; PubMed 25847299.